The following is an entry in ClinVar:

ClinVar aggregate classification (germline): Pathogenic (1 of 4 stars; one submission).

Submission:

Labcorp Genetics (formerly Invitae), Labcorp
Classification: Pathogenic. Last evaluated: 2025-10-01. Review status: criteria provided, single submitter. Criteria: Invitae Variant Classification Sherloc (09022015). Collection method: clinical testing. Allele origin: germline.
Comment: This sequence change creates a premature translational stop signal (p.Glu1175*) in the LTBP2 gene. It is expected to result in an absent or disrupted protein product. Loss-of-function variants in LTBP2 are known to be pathogenic (PMID: 19361779, 19656777, 22025892). This variant is not present in population databases (gnomAD no frequency). This variant has not been reported in the literature in individuals affected with LTBP2-related conditions. For these reasons, this variant has been classified as Pathogenic.

Literature cited by the submitters: PubMed 19361779; PubMed 19656777; PubMed 22025892.

NM_000428.3(LTBP2):c.3523G>T (p.Glu1175Ter)

Gene: LTBP2 (latent transforming growth factor beta binding protein 2; minus strand). Cytogenetic location: 14q24.3.
Variant type: single nucleotide variant.
Coding change: c.3523G>T on transcript NM_000428.3 (MANE Select); coding-DNA position 3523, G replaced by T.
Protein change: p.Glu1175Ter; replaces glutamic acid 1175 with a stop codon.
Molecular consequence: nonsense.
Genome position (GRCh38, 1-based): chr14:74,508,833, C>A on the plus strand (G>T on the coding strand, the complement: LTBP2 is on the minus strand). VCF-style: chr14-74508833-C-A. GRCh37 (hg19) VCF-style: chr14-74975536-C-A.
Other names: short protein forms E1175*.
Identifiers: ClinVar variation 4777177 (VCV004777177.1).
Genomic context (GRCh38, chr14:74,508,833, plus strand): 5'-CTGCCTCCCCACACACTCATGCCCCCCACCCCCAGTAGGGTGACCTGGGTCACTCACCCT[C>A]ACACACGGTGCCATTGGCCAGCTGGAAGCCCTGGGGACAGAGGCACTGGTAGGAGCCCAC-3'